The following is an entry in ClinVar:

ClinVar aggregate classification (germline): Uncertain significance (1 of 4 stars; one submission).

Conditions:
Dystonia 12 (DYT12). Also called: DYT-ATP1A3; Rapid-Onset Dystonia-Parkinsonism (RDP). Identifiers: Orphanet 71517, MedGen C1868681, MONDO:0007496, OMIM 128235.

Submission:

Labcorp Genetics (formerly Invitae), Labcorp
Classification: Uncertain significance for Dystonia 12. Last evaluated: 2024-02-24. Review status: criteria provided, single submitter. Criteria: Invitae Variant Classification Sherloc (09022015). Collection method: clinical testing. Allele origin: germline.
Comment: This sequence change replaces alanine, which is neutral and non-polar, with glutamic acid, which is acidic and polar, at codon 592 of the ATP1A3 protein (p.Ala592Glu). This variant is not present in population databases (gnomAD no frequency). This variant has not been reported in the literature in individuals affected with ATP1A3-related conditions. ClinVar contains an entry for this variant (Variation ID: 655519). Advanced modeling of protein sequence and biophysical properties (such as structural, functional, and spatial information, amino acid conservation, physicochemical variation, residue mobility, and thermodynamic stability) performed at Invitae indicates that this missense variant is expected to disrupt ATP1A3 protein function with a positive predictive value of 95%. Algorithms developed to predict the effect of sequence changes on RNA splicing suggest that this variant may disrupt the consensus splice site. In summary, the available evidence is currently insufficient to determine the role of this variant in disease. Therefore, it has been classified as a Variant of Uncertain Significance.

NM_152296.5(ATP1A3):c.1775C>A (p.Ala592Glu)

Gene: ATP1A3 (ATPase Na+/K+ transporting subunit alpha 3; minus strand). Cytogenetic location: 19q13.2.
Variant type: single nucleotide variant.
Coding change: c.1775C>A on transcript NM_152296.5 (MANE Select); coding-DNA position 1775, C replaced by A.
Protein change: p.Ala592Glu; replaces alanine 592 with glutamic acid.
Molecular consequence: missense variant.
Genome position (GRCh38, 1-based): chr19:41,978,182, G>T on the plus strand (C>A on the coding strand, the complement: ATP1A3 is on the minus strand). VCF-style: chr19-41978182-G-T. GRCh37 (hg19) VCF-style: chr19-42482334-G-T.
Other names: c.1808C>A, p.Ala603Glu (NM_001256213.2); c.1814C>A, p.Ala605Glu (NM_001256214.2); short protein forms A605E, A592E, A603E.
Identifiers: ClinVar variation 655519 (VCV000655519.8), dbSNP rs1599715351, ClinGen allele CA406045509.